The following is an entry in ClinVar:

ClinVar aggregate classification (germline): Uncertain significance. Review status: criteria provided, multiple submitters, no conflicts (2 of 4 stars). 2 submissions from 2 submitters: Uncertain significance (2). Last evaluated 2024-11-19.

Conditions:
Inborn genetic diseases. Identifiers: MedGen C0950123, MeSH D030342.

Allele frequency attached by ClinVar (database versions not stated): TOPMed 0.00002; gnomAD 0.00003; gnomAD exomes 0.00003; ExAC 0.00008.
gnomAD v4.1: 55 of 1,610,764 alleles (0.0034%); highest among the groups gnomAD compares: Middle Eastern, 0.05%; 1 homozygote.

Submissions (2):

Labcorp Genetics (formerly Invitae), Labcorp
Classification: Uncertain significance. Last evaluated: 2024-11-19. Review status: criteria provided, single submitter. Criteria: Invitae Variant Classification Sherloc (09022015). Collection method: clinical testing. Allele origin: germline.
Comment: This sequence change replaces proline, which is neutral and non-polar, with serine, which is neutral and polar, at codon 213 of the IRX5 protein (p.Pro213Ser). The frequency data for this variant in the population databases is considered unreliable, as metrics indicate poor data quality at this position in the gnomAD database. This variant has not been reported in the literature in individuals affected with IRX5-related conditions. ClinVar contains an entry for this variant (Variation ID: 2271769). Invitae Evidence Modeling of protein sequence and biophysical properties (such as structural, functional, and spatial information, amino acid conservation, physicochemical variation, residue mobility, and thermodynamic stability) indicates that this missense variant is not expected to disrupt IRX5 protein function with a negative predictive value of 80%. In summary, the available evidence is currently insufficient to determine the role of this variant in disease. Therefore, it has been classified as a Variant of Uncertain Significance.

Ambry Genetics
Classification: Uncertain significance for Inborn genetic diseases. Last evaluated: 2022-05-11. Review status: criteria provided, single submitter. Criteria: Ambry Variant Classification Scheme 2023. Collection method: clinical testing. Allele origin: germline.

NM_005853.6(IRX5):c.637C>T (p.Pro213Ser)

Gene: IRX5 (iroquois homeobox 5; plus strand). Cytogenetic location: 16q12.2.
Variant type: single nucleotide variant.
Coding change: c.637C>T on transcript NM_005853.6 (MANE Select); coding-DNA position 637, C replaced by T.
Protein change: p.Pro213Ser; replaces proline 213 with serine.
Molecular consequence: missense variant.
Genome position (GRCh38, 1-based): chr16:54,932,885, C>T. VCF-style: chr16-54932885-C-T. GRCh37 (hg19) VCF-style: chr16-54966797-C-T.
Other names: c.637C>T, p.Pro213Ser (NM_001252197.1); short protein forms P213S.
Identifiers: ClinVar variation 2271769 (VCV002271769.4), dbSNP rs760174440, ClinGen allele CA8059231.